The following is an entry in ClinVar:

NM_177972.3(TUB):c.1192_1195del (p.Arg398fs)

Genes: RIC3 (RIC3 acetylcholine receptor chaperone; minus strand), TUB (TUB bipartite transcription factor; plus strand). Cytogenetic location: 11p15.4.
Variant type: Microsatellite.
Coding change: c.1192_1195del on transcript NM_177972.3 (MANE Select); coding-DNA positions 1192 to 1195, 4 bases deleted (AGAG; older notation c.1192_1195delAGAG).
Protein change: p.Arg398fs; shifts the reading frame from arginine 398.
Molecular consequence: frameshift variant.
Genome position (GRCh38, 1-based): chr11:8,100,578-8,100,581, AGAG deleted; deleting any 4 consecutive bases within chr11:8,100,575-8,100,581 gives the same sequence; the c. name uses the placement nearest the transcript's 3' end. VCF-style (leftmost placement, unchanged base first): chr11-8100574-TGAGA-T. GRCh37 (hg19) VCF-style: chr11-8122121-TGAGA-T.
Other names: c.1210_1213del, p.Arg404fs (NM_001440538.1, NM_001440539.1); c.1042_1045del, p.Arg348fs (NM_001440540.1, NM_001440542.1); c.1024_1027del, p.Arg342fs (NM_001440541.1); c.1357_1360del, p.Arg453fs (NM_003320.5); short protein forms R398fs, R453fs, R348fs, R342fs, R404fs.
Identifiers: ClinVar variation 5001052 (VCV005001052.1).

ClinVar aggregate classification (germline): Uncertain significance (1 of 4 stars; one submission).

Conditions:
TUB-related disorder. Also called: TUB-related condition.

Submission:

PreventionGenetics, part of Exact Sciences
Classification: Uncertain significance for TUB-related condition. Last evaluated: 2024-12-27. Review status: criteria provided, single submitter. Criteria: ACMG Guidelines, 2015. Collection method: clinical testing. Allele origin: germline.
Comment: The TUB c.1357_1360delAGAG variant is predicted to result in a frameshift and premature protein termination (p.Arg453Serfs*13). To our knowledge, this variant has not been reported in an individual affected with TUB-related disease. This variant is reported in 0.0046% of alleles in individuals of European (Finnish) descent in gnomAD. Loss-of-function variants in TUB are not a well established mechanism of disease. Although we suspect that this variant may be pathogenic, at this time, the clinical significance of this variant is uncertain due to the absence of conclusive functional and genetic evidence.